The following is an entry in ClinVar:

ClinVar aggregate classification (germline): Conflicting classifications of pathogenicity. Review status: criteria provided, conflicting classifications (1 of 4 stars). 11 submissions from 11 submitters: Uncertain significance (2); Benign (6); Likely benign (2). 1 of the submissions does not count toward it. Last evaluated 2026-02-01.

Conditions:
Hereditary cancer-predisposing syndrome. Also called: Tumor predisposition; Hereditary neoplastic syndrome; Neoplastic Syndromes, Hereditary; Hereditary Cancer Syndrome. Identifiers: Orphanet 140162, MedGen C0027672, MeSH D009386, MONDO:0015356.
Nijmegen breakage syndrome-like disorder (NBSLD). Also called: MICROCEPHALY AND SPONTANEOUS CHROMOSOME INSTABILITY WITHOUT IMMUNODEFICIENCY; NBS-LIKE DISORDER; RAD50 DEFICIENCY. Identifiers: Orphanet 240760, MedGen C2751318, MONDO:0013118, OMIM 613078.

Allele frequency attached by ClinVar (database versions not stated): 1000 Genomes Project 0.00040; 1000 Genomes Project 30x 0.00047; gnomAD exomes 0.00131 and 0.00165; gnomAD 0.00146 and 0.00147; TOPMed 0.00155; ExAC 0.00165; ESP Exome Variant Server 0.00177.
gnomAD v4.1: 2,189 of 1,613,908 alleles (0.14%); highest among the groups gnomAD compares: Middle Eastern, 0.78%; 4 homozygotes.

Submissions (11):

CeGaT Center for Human Genetics Tuebingen
Classification: Likely benign. Last evaluated: 2026-02-01. Review status: criteria provided, single submitter. Criteria: CeGaT Center For Human Genetics Tuebingen Variant Classification Criteria Version 2. Collection method: clinical testing. Allele origin: germline. Affected: yes. Observed: 15 variant alleles.
Comment: RAD50: BS2

Dasa
Classification: Likely benign. Last evaluated: 2026-01-19. Review status: criteria provided, single submitter. Criteria: DASA Assertion Criteria. Collection method: clinical testing. Allele origin: germline.
Comment: NM_005732.4(RAD50):c.379G>A (p.Val127Ile) is a missense variant that results in the substitution of valine with isoleucine. Population frequency is inconsistent with a disease-causing role for this variant, and observations in unaffected individuals support a benign interpretation. Computational prediction algorithms are consistent with a benign effect. Therefore, based on the currently available evidence, this variant is classified as likely benign.

Labcorp Genetics (formerly Invitae), Labcorp
Classification: Benign for Hereditary cancer-predisposing syndrome. Last evaluated: 2026-01-05. Review status: criteria provided, single submitter. Criteria: Invitae Variant Classification Sherloc (09022015). Collection method: clinical testing. Allele origin: germline.

Quest Diagnostics Nichols Institute San Juan Capistrano
Classification: Benign. Last evaluated: 2025-09-15. Review status: criteria provided, single submitter. Criteria: Quest Diagnostics criteria. Collection method: clinical testing. Allele origin: unknown.

Institute for Clinical Genetics, University Hospital TU Dresden, University Hospital TU Dresden
Classification: Uncertain significance. Last evaluated: 2021-11-03. Review status: criteria provided, single submitter. Criteria: ACMG Guidelines, 2015. Collection method: clinical testing. Allele origin: germline.

Genetic Services Laboratory, University of Chicago
Classification: Benign. Last evaluated: 2021-06-22. Review status: criteria provided, single submitter. Criteria: ACMG Guidelines, 2015. Collection method: clinical testing. Allele origin: germline. Affected: no.

Sema4
Classification: Benign for Nijmegen breakage syndrome-like disorder. Last evaluated: 2020-10-09. Review status: criteria provided, single submitter. Criteria: Sema4 Curation Guidelines. Collection method: curation. Allele origin: germline.

Women's Health and Genetics/Laboratory Corporation of America, LabCorp
Classification: Benign. Last evaluated: 2016-08-29. Review status: criteria provided, single submitter. Criteria: LabCorp Variant Classification Summary - May 2015. Collection method: clinical testing. Allele origin: germline.
Comment: Variant summary: The RAD50 c.379G>A (p.Val127Ile) variant involves the alteration of a conserved nucleotide. 2/4 in silico tools predict a benign outcome for this variant. This variant was found in 205/124248 control chromosomes (1 homozygote) at a frequency of 0.0016499, which is approximately 26 times the estimated maximal expected allele frequency of a pathogenic RAD50 variant (0.0000625), suggesting this variant is likely a benign polymorphism. This variant has been reported from case-control studies in literature. In a large case-control study, this variant was not associated with increased risk for breast cancer (Haiman_2013). 1/3 clinical diagnostic laboratories in ClinVar has classified this variant as likely benign. Taken together, this variant is classified as Benign.

Ambry Genetics
Classification: Benign for Hereditary cancer-predisposing syndrome. Last evaluated: 2014-07-11. Review status: criteria provided, single submitter. Criteria: Ambry Variant Classification Scheme 2023. Collection method: clinical testing. Allele origin: germline.

GeneDx
Classification: Uncertain significance. Last evaluated: 2014-02-21. Review status: criteria provided, single submitter. Criteria: GeneDx Variant Classification (06012015). Collection method: clinical testing. Allele origin: germline. Affected: yes.
Comment: RAD50 has been only recently described in association with cancer predisposition and the risks are not well understood. This variant is denoted RAD50 c.379G>A at the cDNA level and p.Val127Ile (V127I) at the protein level, and results in the change of a Valine to a Isoleucine (GTC>ATC). RAD50 Val127Ile has been reported in two individuals with breast cancer in British studies and in two individuals with laryngeal cancer in a Polish study, but was also detected in at least five healthy controls (Tommiska 2006, Mosor 2010, Mosor 2013, Ziolkowska-Suchanek 2013). RAD50 Val127Ile was observed with an allele frequency of 0.1% in 1000 Genomes and at 0.2% and 0.05% in European and African Americans in the NHLBI Exome Sequencing Project respectively, indicating it is not a common benign variant in these populations. This variant is a conservative substitution of one neutral non-polar amino acid for another, altering a position that is highly conserved throughout evolution, and is not located in a known functional domain. In silico analyses are inconsistent with regard to the effect this variant may have on protein structure and function. At a molecular level, the impact of this missense variant on protein structure and function is not known and thus we consider this to be a variant of uncertain significance. Furthermore, based on the currently available information, cancer risks associated with this variant, and the RAD50 gene, remain unclear.

Counsyl
Classification: Uncertain significance for Nijmegen breakage syndrome-like disorder. Last evaluated: 2016-07-07. Review status: no assertion criteria provided. Collection method: clinical testing. Allele origin: unknown. Not counted in ClinVar's aggregate classification.

Literature cited by the submitters: PubMed 27153395 (cited by Quest Diagnostics Nichols Institute San Juan Capistrano and Counsyl); PubMed 24894818 (cited by Quest Diagnostics Nichols Institute San Juan Capistrano and Counsyl); PubMed 24093751 (cited by Quest Diagnostics Nichols Institute San Juan Capistrano and Women's Health and Genetics/Laboratory Corporation of America, LabCorp); PubMed 24079363 (cited by Quest Diagnostics Nichols Institute San Juan Capistrano and Counsyl); PubMed 23555315 (cited by 3 submitters); PubMed 20571869 (cited by 3 submitters); PubMed 16385572 (cited by 3 submitters); PubMed 28202063 (cited by Quest Diagnostics Nichols Institute San Juan Capistrano); PubMed 24448499 (cited by Women's Health and Genetics/Laboratory Corporation of America, LabCorp).

NM_005732.4(RAD50):c.379G>A (p.Val127Ile)

Gene: RAD50 (RAD50 double strand break repair protein; plus strand). Cytogenetic location: 5q31.1.
Variant type: single nucleotide variant.
Coding change: c.379G>A on transcript NM_005732.4 (MANE Select); coding-DNA position 379, G replaced by A.
Protein change: p.Val127Ile; replaces valine 127 with isoleucine.
Molecular consequence: missense variant.
Genome position (GRCh38, 1-based): chr5:132,579,330, G>A. VCF-style: chr5-132579330-G-A. GRCh37 (hg19) VCF-style: chr5-131915022-G-A.
Other names: p.V127I:GTC>ATC; short protein forms V127I.
Identifiers: ClinVar variation 128023 (VCV000128023.53), dbSNP rs28903086, ClinGen allele CA331887.